The following is an entry in ClinVar:

NM_213599.3(ANO5):c.294+5G>A

Gene: ANO5 (anoctamin 5; plus strand). Cytogenetic location: 11p14.3.
Variant type: single nucleotide variant.
Coding change: c.294+5G>A on transcript NM_213599.3 (MANE Select); 5 bases into the intron after coding-DNA position 294, G replaced by A.
Molecular consequence: intron variant.
Genome position (GRCh38, 1-based): chr11:22,221,215, G>A. VCF-style: chr11-22221215-G-A. GRCh37 (hg19) VCF-style: chr11-22242761-G-A.
Other names: c.291+5G>A (NM_001142649.2).
Identifiers: ClinVar variation 1326848 (VCV001326848.4), dbSNP rs2133589044, ClinGen allele CA2573053480.

ClinVar aggregate classification (germline): Pathogenic/Likely pathogenic. Review status: criteria provided, multiple submitters, no conflicts (2 of 4 stars). 3 submissions from 3 submitters: Pathogenic (1); Likely pathogenic (2). Last evaluated 2025-03-18.

Conditions:
Autosomal recessive limb-girdle muscular dystrophy type 2L (LGMDR12). Also called: Limb-girdle muscular dystrophy, type 2L; MUSCULAR DYSTROPHY, LIMB-GIRDLE, AUTOSOMAL RECESSIVE 12; Limb-Girdle Muscular Dystrophy R12 Anoctamin-5-Related (LGMD-R12). Identifiers: Orphanet 206549, MedGen C1969785, MONDO:0012652, OMIM 611307.
Gnathodiaphyseal dysplasia (GDD). Also called: GNATHODIAPHYSEAL SCLEROSIS; OSTEOGENESIS IMPERFECTA WITH UNUSUAL SKELETAL LESIONS. Identifiers: Orphanet 53697, MedGen C1833736, MONDO:0008151, OMIM 166260.
Miyoshi muscular dystrophy 3 (MMD3). Also called: Miyoshi myopathy 3; Miyoshi Muscular Dystrophy 3 (MMD3). Identifiers: Orphanet 399096, MedGen C2750076, MONDO:0013222, OMIM 613319.

Submissions (3):

Labcorp Genetics (formerly Invitae), Labcorp
Classification: Likely pathogenic for Autosomal recessive limb-girdle muscular dystrophy type 2L; Gnathodiaphyseal dysplasia. Last evaluated: 2025-03-18. Review status: criteria provided, single submitter. Criteria: Invitae Variant Classification Sherloc (09022015). Collection method: clinical testing. Allele origin: germline.
Comment: This sequence change falls in intron 5 of the ANO5 gene. It does not directly change the encoded amino acid sequence of the ANO5 protein. RNA analysis indicates that this variant induces altered splicing and may result in an absent or altered protein product. This variant is not present in population databases (gnomAD no frequency). This variant has been observed in individual(s) with limb girdle muscular dystrophy (PMID: 35463132). ClinVar contains an entry for this variant (Variation ID: 1326848). Variants that disrupt the consensus splice site are a relatively common cause of aberrant splicing (PMID: 17576681, 9536098). Studies have shown that this variant results in activation of a cryptic splice site, and produces a non-functional protein and/or introduces a premature termination codon (PMID: 35463132). In summary, the currently available evidence indicates that the variant is pathogenic, but additional data are needed to prove that conclusively. Therefore, this variant has been classified as Likely Pathogenic.

Kariminejad - Najmabadi Pathology & Genetics Center
Classification: Likely pathogenic for Miyoshi muscular dystrophy 3. Last evaluated: 2024-03-26. Review status: criteria provided, single submitter. Criteria: ACMG Guidelines, 2015. Collection method: clinical testing. Allele origin: germline. Inheritance: Autosomal recessive inheritance. Affected: yes.
Comment: PM4(Moderate),PM2,PP3(Moderate),PP5,PP1 ?

Institute for Molecular Bioscience, The University of Queensland
Classification: Pathogenic for Autosomal recessive limb-girdle muscular dystrophy type 2L. Last evaluated: 2021-12-01. Review status: criteria provided, single submitter. Criteria: PMID: 25741868. Collection method: clinical testing. Allele origin: germline. Inheritance: Autosomal recessive inheritance. Affected: yes. Observed: 1 variant allele.
Comment: As per ACMG - PVS1 - Null variant - our studies demonstrated intron inclusion and a complete absence of normal product, PM2- Absent from controls in Exome Sequencing Project, 1000 Genomes or ExAC, PP1- Co-segregation with disease in multiple affected family members in a gene definitively known to cause the disease

Literature cited by the submitters: PubMed 35463132 (cited by Labcorp Genetics (formerly Invitae), Labcorp); PubMed 17576681 (cited by Labcorp Genetics (formerly Invitae), Labcorp); PubMed 9536098 (cited by Labcorp Genetics (formerly Invitae), Labcorp).